The following is an entry in ClinVar:

ClinVar aggregate classification (germline): Uncertain significance. Review status: criteria provided, multiple submitters, no conflicts (2 of 4 stars). 3 submissions from 3 submitters: Uncertain significance (3). Last evaluated 2025-08-13.

Conditions:
Inborn genetic diseases. Identifiers: MedGen C0950123, MeSH D030342.

Allele frequency attached by ClinVar (database versions not stated): TOPMed below 0.00001; gnomAD exomes 0.00001.
gnomAD v4.1: 4 of 1,614,144 alleles (0.00025%); highest among the groups gnomAD compares: Non-Finnish European, 0.00034%; no homozygotes.

Submissions (3):

Ambry Genetics
Classification: Uncertain significance for Inborn genetic diseases. Last evaluated: 2025-08-13. Review status: criteria provided, single submitter. Criteria: Ambry Variant Classification Scheme 2023. Collection method: clinical testing. Allele origin: germline.

Women's Health and Genetics/Laboratory Corporation of America, LabCorp
Classification: Uncertain significance. Last evaluated: 2025-05-12. Review status: criteria provided, single submitter. Criteria: LabCorp Variant Classification Summary - May 2015. Collection method: clinical testing. Allele origin: germline.
Comment: Variant summary: BMP1 c.1525T>C (p.Tyr509His) results in a conservative amino acid change in the encoded protein sequence. Algorithms developed to predict the effect of missense changes on protein structure and function are either unavailable or do not agree on the potential impact of this missense change. The variant was absent in 251342 control chromosomes. The available data on variant occurrences in the general population are insufficient to allow any conclusion about variant significance. To our knowledge, no occurrence of c.1525T>C in individuals affected with Osteogenesis Imperfecta and no experimental evidence demonstrating its impact on protein function have been reported. ClinVar contains an entry for this variant (Variation ID: 1518311). Based on the evidence outlined above, the variant was classified as uncertain significance.

Labcorp Genetics (formerly Invitae), Labcorp
Classification: Uncertain significance. Last evaluated: 2021-08-14. Review status: criteria provided, single submitter. Criteria: Invitae Variant Classification Sherloc (09022015). Collection method: clinical testing. Allele origin: germline.
Comment: This sequence change replaces tyrosine with histidine at codon 509 of the BMP1 protein (p.Tyr509His). The tyrosine residue is highly conserved and there is a moderate physicochemical difference between tyrosine and histidine. This variant is not present in population databases (ExAC no frequency). This variant has not been reported in the literature in individuals affected with BMP1-related conditions. Algorithms developed to predict the effect of missense changes on protein structure and function (SIFT, PolyPhen-2, Align-GVGD) all suggest that this variant is likely to be disruptive. In summary, the available evidence is currently insufficient to determine the role of this variant in disease. Therefore, it has been classified as a Variant of Uncertain Significance.

NM_006129.5(BMP1):c.1525T>C (p.Tyr509His)

Genes: BMP1 (bone morphogenetic protein 1; plus strand), LOC113788269 (BRD4-independent group 4 enhancer GRCh37_chr8:22052064-22053263; plus strand). Cytogenetic location: 8p21.3.
Variant type: single nucleotide variant.
Coding change: c.1525T>C on transcript NM_006129.5 (MANE Select); coding-DNA position 1525, T replaced by C.
Protein change: p.Tyr509His; replaces tyrosine 509 with histidine.
Molecular consequence: missense variant. On other transcripts: non-coding transcript variant (2).
Genome position (GRCh38, 1-based): chr8:22,194,805, T>C. VCF-style: chr8-22194805-T-C. GRCh37 (hg19) VCF-style: chr8-22052318-T-C.
Other names: c.1525T>C, p.Tyr509His (NM_001199.4); c.1525T>C (NM_006129.4); short protein forms Y509H.
Identifiers: ClinVar variation 1518311 (VCV001518311.7), dbSNP rs1829034303, ClinGen allele CA370494298.